The following is an entry in ClinVar:

NM_001171613.2(PREPL):c.703-15C>G

Gene: PREPL (prolyl endopeptidase like; minus strand). Cytogenetic location: 2p21.
Variant type: single nucleotide variant.
Coding change: c.703-15C>G on transcript NM_001171613.2 (MANE Select); 15 bases into the intron before coding-DNA position 703, C replaced by G.
Molecular consequence: intron variant.
Genome position (GRCh38, 1-based): chr2:44,338,551, G>C on the plus strand (C>G on the coding strand, the complement: PREPL is on the minus strand). VCF-style: chr2-44338551-G-C. GRCh37 (hg19) VCF-style: chr2-44565690-G-C.
Other names: c.703-15C>G (NM_001171617.1, NM_001374277.1); c.970-15C>G (NM_001171603.1, NM_001374275.1, NM_001374276.1 and 3 more transcripts); c.969+596C>G (NM_001042385.2).
Identifiers: ClinVar variation 2057588 (VCV002057588.3), dbSNP rs771209563, ClinGen allele CA1641367.

ClinVar aggregate classification (germline): Uncertain significance (1 of 4 stars; one submission).

Conditions:
Myasthenic syndrome, congenital, 22 (CMS22). Also called: PREPL DEFICIENCY. Identifiers: MedGen C4479088, MONDO:0044299, OMIM 616224.

Allele frequency attached by ClinVar (database versions not stated): gnomAD exomes below 0.00001; TOPMed below 0.00001; ExAC 0.00001; gnomAD 0.00001.
gnomAD v4.1: 5 of 1,588,794 alleles (0.00031%); highest among the groups gnomAD compares: African/African-American, 0.0014%; no homozygotes.

Submission:

Labcorp Genetics (formerly Invitae), Labcorp
Classification: Uncertain significance for Myasthenic syndrome, congenital, 22. Last evaluated: 2023-05-08. Review status: criteria provided, single submitter. Criteria: Invitae Variant Classification Sherloc (09022015). Collection method: clinical testing. Allele origin: germline.
Comment: In summary, the available evidence is currently insufficient to determine the role of this variant in disease. Therefore, it has been classified as a Variant of Uncertain Significance. Algorithms developed to predict the effect of sequence changes on RNA splicing suggest that this variant may disrupt the consensus splice site. ClinVar contains an entry for this variant (Variation ID: 2057588). This variant has not been reported in the literature in individuals affected with PREPL-related conditions. This variant is present in population databases (rs771209563, gnomAD 0.005%). This sequence change falls in intron 6 of the PREPL gene. It does not directly change the encoded amino acid sequence of the PREPL protein.